The following is an entry in ClinVar:

ClinVar aggregate classification (germline): Pathogenic/Likely pathogenic. Review status: criteria provided, multiple submitters, no conflicts (2 of 4 stars). 3 submissions from 3 submitters: Pathogenic (1); Likely pathogenic (2). Last evaluated 2024-11-05.

Conditions:
Autosomal recessive nonsyndromic hearing loss 4 (DFNB4). Also called: FOXI1-Related Pendred Syndrome; KCNJ10-Related Pendred Syndrome; NEUROSENSORY NONSYNDROMIC RECESSIVE DEAFNESS 4; Deafness, autosomal recessive 4; Nonsyndromic enlarged vestibular aqueduct (NSEVA); DEAFNESS, AUTOSOMAL RECESSIVE 4, WITH ENLARGED VESTIBULAR AQUEDUCT, DIGENIC. Identifiers: Orphanet 90636, MedGen C3538946, MONDO:0010933, OMIM 600791.
Pendred syndrome (PDS). Also called: THYROID DYSHORMONOGENESIS 2B; THYROID HORMONOGENESIS, GENETIC DEFECT IN, 2B; Pendred Syndrome (PDS); DEAFNESS WITH GOITER; GOITER-DEAFNESS SYNDROME; HYPOTHYROIDISM, CONGENITAL, DUE TO DYSHORMONOGENESIS, 2B. Identifiers: Orphanet 705, MedGen C0271829, MONDO:0010134, OMIM 274600.

gnomAD v4.1: 1 of 1,613,032 alleles (0.000062%); highest among the groups gnomAD compares: Admixed American, 0.0017%; no homozygotes.

Submissions (3):

Natera, Inc.
Classification: Likely pathogenic for Pendred syndrome. Last evaluated: 2024-11-05. Review status: criteria provided, single submitter. Criteria: Natera Variant Classification Schema (03/2026). Collection method: clinical testing. Allele origin: germline.
Comment: The c.1876G>T variant in SLC26A4 is a nonsense variant predicted to introduce a stop codon at amino acid 626. This variant is expected to result in nonsense mediated decay, truncation, or a dysfunctional protein product. This variant is rare in the general population with a frequency below the threshold expected for the associated phenotype(s). Given the available evidence, this variant is classified as Likely Pathogenic.

Labcorp Genetics (formerly Invitae), Labcorp
Classification: Pathogenic. Last evaluated: 2023-09-08. Review status: criteria provided, single submitter. Criteria: Invitae Variant Classification Sherloc (09022015). Collection method: clinical testing. Allele origin: germline.
Comment: This sequence change creates a premature translational stop signal (p.Glu626*) in the SLC26A4 gene. It is expected to result in an absent or disrupted protein product. Loss-of-function variants in SLC26A4 are known to be pathogenic (PMID: 16283880, 25394566, 26252218, 26445815). This variant is not present in population databases (gnomAD no frequency). This variant has not been reported in the literature in individuals affected with SLC26A4-related conditions. For these reasons, this variant has been classified as Pathogenic.

Baylor Genetics
Classification: Likely pathogenic for Autosomal recessive nonsyndromic hearing loss 4. Last evaluated: 2023-08-29. Review status: criteria provided, single submitter. Criteria: ACMG Guidelines, 2015. Collection method: clinical testing. Allele origin: unknown.

Literature cited by the submitters: PubMed 16283880 (cited by Labcorp Genetics (formerly Invitae), Labcorp); PubMed 25394566 (cited by Labcorp Genetics (formerly Invitae), Labcorp); PubMed 26252218 (cited by Labcorp Genetics (formerly Invitae), Labcorp); PubMed 26445815 (cited by Labcorp Genetics (formerly Invitae), Labcorp).

NM_000441.2(SLC26A4):c.1876G>T (p.Glu626Ter)

Gene: SLC26A4 (solute carrier family 26 member 4; plus strand). Cytogenetic location: 7q22.3.
Variant type: single nucleotide variant.
Coding change: c.1876G>T on transcript NM_000441.2 (MANE Select); coding-DNA position 1876, G replaced by T.
Protein change: p.Glu626Ter; replaces glutamic acid 626 with a stop codon.
Molecular consequence: nonsense.
Genome position (GRCh38, 1-based): chr7:107,701,899, G>T. VCF-style: chr7-107701899-G-T. GRCh37 (hg19) VCF-style: chr7-107342344-G-T.
Other names: c.1876G>T (NM_000441.1); short protein forms E626*.
Identifiers: ClinVar variation 2678910 (VCV002678910.5), dbSNP rs2535338130, ClinGen allele CA368843383.